The following is an entry in ClinVar:

ClinVar aggregate classification (germline): Uncertain significance (1 of 4 stars; one submission).

gnomAD v4.1: 1 of 1,612,710 alleles (0.000062%); highest among the groups gnomAD compares: Non-Finnish European, 0.000085%; no homozygotes.

Submission:

GeneDx
Classification: Uncertain significance. Last evaluated: 2025-06-30. Review status: criteria provided, single submitter. Criteria: GeneDx Variant Classification Process June 2021. Collection method: clinical testing. Allele origin: germline. Affected: yes.
Comment: Not observed at significant frequency in large population cohorts (gnomAD); In silico analysis suggests that this missense variant does not alter protein structure/function; Has not been previously published as pathogenic or benign to our knowledge

NM_004999.4(MYO6):c.3068T>A (p.Leu1023His)

Gene: MYO6 (myosin VI; plus strand). Cytogenetic location: 6q14.1.
Variant type: single nucleotide variant.
Coding change: c.3068T>A on transcript NM_004999.4 (MANE Select); coding-DNA position 3068, T replaced by A.
Protein change: p.Leu1023His; replaces leucine 1023 with histidine.
Molecular consequence: missense variant. On other transcripts: non-coding transcript variant (1).
Genome position (GRCh38, 1-based): chr6:75,892,651, T>A. VCF-style: chr6-75892651-T-A. GRCh37 (hg19) VCF-style: chr6-76602368-T-A.
Other names: c.3068T>A, p.Leu1023His (NM_001300899.2, NM_001368136.1, NM_001368137.1 and 2 more transcripts); c.3053T>A, p.Leu1018His (NM_001368138.1); short protein forms L1018H, L1023H.
Identifiers: ClinVar variation 4680950 (VCV004680950.1).